The following is an entry in ClinVar:

ClinVar aggregate classification (germline): Pathogenic (1 of 4 stars; one submission).

Conditions:
3-Oxo-5 alpha-steroid delta 4-dehydrogenase deficiency (PPSH). Also called: PSEUDOVAGINAL PERINEOSCROTAL HYPOSPADIAS; FAMILIAL INCOMPLETE MALE PSEUDOHERMAPHRODITISM, TYPE 2; MALE PSEUDOHERMAPHRODITISM DUE TO 5-ALPHA-REDUCTASE DEFICIENCY; 46,XY disorder of sex development due to 5-alpha-reductase 2 deficiency. Identifiers: Orphanet 753, MedGen C0268297, MONDO:0009923, OMIM 264600. Disease mechanism: loss of function.

Allele frequency attached by ClinVar (database versions not stated): gnomAD exomes 0.00001.
gnomAD v4.1: 3 of 1,613,802 alleles (0.00019%); highest among the groups gnomAD compares: Non-Finnish European, 0.00025%; no homozygotes.

Submission:

Labcorp Genetics (formerly Invitae), Labcorp
Classification: Pathogenic for 3-Oxo-5 alpha-steroid delta 4-dehydrogenase deficiency. Last evaluated: 2023-08-02. Review status: criteria provided, single submitter. Criteria: Invitae Variant Classification Sherloc (09022015). Collection method: clinical testing. Allele origin: germline.
Comment: This sequence change replaces histidine, which is basic and polar, with proline, which is neutral and non-polar, at codon 230 of the SRD5A2 protein (p.His230Pro). This variant is present in population databases (no rsID available, gnomAD 0.0009%). This missense change has been observed in individual(s) with steroid-5 alpha-reductase deficiency (PMID: 755047, 27070133, 30889611). It has also been observed to segregate with disease in related individuals. Advanced modeling of protein sequence and biophysical properties (such as structural, functional, and spatial information, amino acid conservation, physicochemical variation, residue mobility, and thermodynamic stability) has been performed at Invitae for this missense variant, however the output from this modeling did not meet the statistical confidence thresholds required to predict the impact of this variant on SRD5A2 protein function. Experimental studies have shown that this missense change affects SRD5A2 function (PMID: 8110760). Algorithms developed to predict the effect of sequence changes on RNA splicing suggest that this variant may disrupt the consensus splice site. For these reasons, this variant has been classified as Pathogenic.

Literature cited by the submitters: PubMed 755047; PubMed 27070133; PubMed 30889611; PubMed 8110760.

NM_000348.4(SRD5A2):c.689A>C (p.His230Pro)

Gene: SRD5A2 (steroid 5 alpha-reductase 2; minus strand). Cytogenetic location: 2p23.1.
Variant type: single nucleotide variant.
Coding change: c.689A>C on transcript NM_000348.4 (MANE Select); coding-DNA position 689, A replaced by C.
Protein change: p.His230Pro; replaces histidine 230 with proline.
Molecular consequence: missense variant.
Genome position (GRCh38, 1-based): chr2:31,529,316, T>G on the plus strand (A>C on the coding strand, the complement: SRD5A2 is on the minus strand). VCF-style: chr2-31529316-T-G. GRCh37 (hg19) VCF-style: chr2-31754386-T-G.
Other names: short protein forms H230P.
Identifiers: ClinVar variation 2734142 (VCV002734142.3), dbSNP rs1477486919, ClinGen allele CA346597863.